The following is an entry in ClinVar:

ClinVar aggregate classification (germline): Conflicting classifications of pathogenicity. Review status: criteria provided, conflicting classifications (1 of 4 stars). 2 submissions from 2 submitters: Uncertain significance (1); Likely benign (1). Last evaluated 2023-03-23.

Conditions:
Hereditary cancer-predisposing syndrome. Also called: Neoplastic Syndromes, Hereditary; Tumor predisposition; Hereditary Cancer Syndrome; Hereditary neoplastic syndrome. Identifiers: Orphanet 140162, MedGen C0027672, MeSH D009386, MONDO:0015356.
Hereditary breast ovarian cancer syndrome. Also called: Hereditary breast and ovarian cancer syndrome; Hereditary breast and ovarian cancer syndrome (HBOC); Breast and ovarian cancer; Hereditary breast and/or ovarian cancer syndrome; Hereditary breast and ovarian cancer; BRCA1- and BRCA2-Associated Hereditary Breast and Ovarian Cancer. Identifiers: Orphanet 145, MedGen C0677776, MeSH D061325, MONDO:0003582. Disease mechanism: loss of function.

Submissions (2):

University of Washington Department of Laboratory Medicine, University of Washington
Classification: Likely benign for Hereditary cancer-predisposing syndrome. Last evaluated: 2023-03-23. Review status: criteria provided, single submitter. Criteria: Dines et al. (Genet Med. 2020). Collection method: curation. Allele origin: germline.
Comment: Missense variant in a coldspot region where missense variants are very unlikely to be pathogenic (PMID:31911673).

BRCA2 exon 11 coldspot. Reclassification based on statistical prior probability.

Labcorp Genetics (formerly Invitae), Labcorp
Classification: Uncertain significance for Hereditary breast ovarian cancer syndrome. Last evaluated: 2022-07-29. Review status: criteria provided, single submitter. Criteria: Invitae Variant Classification Sherloc (09022015). Collection method: clinical testing. Allele origin: germline.
Comment: This variant has not been reported in the literature in individuals affected with BRCA2-related conditions. Advanced modeling of protein sequence and biophysical properties (such as structural, functional, and spatial information, amino acid conservation, physicochemical variation, residue mobility, and thermodynamic stability) performed at Invitae indicates that this missense variant is not expected to disrupt BRCA2 protein function. In summary, the available evidence is currently insufficient to determine the role of this variant in disease. Therefore, it has been classified as a Variant of Uncertain Significance. This variant is not present in population databases (gnomAD no frequency). This sequence change replaces glycine, which is neutral and non-polar, with valine, which is neutral and non-polar, at codon 1938 of the BRCA2 protein (p.Gly1938Val).

NM_000059.4(BRCA2):c.5813G>T (p.Gly1938Val)

Gene: BRCA2 (BRCA2 DNA repair associated; plus strand). Cytogenetic location: 13q13.1.
Variant type: single nucleotide variant.
Coding change: c.5813G>T on transcript NM_000059.4 (MANE Select); coding-DNA position 5813, G replaced by T.
Protein change: p.Gly1938Val; replaces glycine 1938 with valine.
Molecular consequence: missense variant.
Genome position (GRCh38, 1-based): chr13:32,340,168, G>T. VCF-style: chr13-32340168-G-T. GRCh37 (hg19) VCF-style: chr13-32914305-G-T.
Other names: c.5813G>T, p.Gly1938Val (NM_001406719.1, NM_001406720.1); short protein forms G1938V.
Identifiers: ClinVar variation 1714231 (VCV001714231.7), dbSNP rs41293499, ClinGen allele CA387787261.